The following is an entry in ClinVar:

NM_198551.4(MIA3):c.673G>C (p.Ala225Pro)

Gene: MIA3 (MIA SH3 domain ER export factor 3; plus strand). Cytogenetic location: 1q41.
Variant type: single nucleotide variant.
Coding change: c.673G>C on transcript NM_198551.4 (MANE Select); coding-DNA position 673, G replaced by C.
Protein change: p.Ala225Pro; replaces alanine 225 with proline.
Molecular consequence: missense variant.
Genome position (GRCh38, 1-based): chr1:222,627,893, G>C. VCF-style: chr1-222627893-G-C. GRCh37 (hg19) VCF-style: chr1-222801235-G-C.
Other names: c.673G>C, p.Ala225Pro (NM_001324062.2, NM_001324063.2); c.181G>C, p.Ala61Pro (NM_001324064.2); short protein forms A225P, A61P.
Identifiers: ClinVar variation 3024902 (VCV003024902.22), dbSNP rs184666801, ClinGen allele CA1406582.

ClinVar aggregate classification (germline): Likely benign (1 of 4 stars; one submission).

Allele frequency attached by ClinVar (database versions not stated): 1000 Genomes Project 0.00100; 1000 Genomes Project 30x 0.00109; ESP Exome Variant Server 0.00157; gnomAD exomes 0.00267.
gnomAD v4.1: 4,242 of 1,614,016 alleles (0.26%); highest among the groups gnomAD compares: Non-Finnish European, 0.25%; 14 homozygotes.

Submission:

CeGaT Center for Human Genetics Tuebingen
Classification: Likely benign. Last evaluated: 2025-04-01. Review status: criteria provided, single submitter. Criteria: CeGaT Center For Human Genetics Tuebingen Variant Classification Criteria Version 2. Collection method: clinical testing. Allele origin: germline. Affected: yes. Observed: 2 variant alleles.
Comment: MIA3: BP4, BS2